The following is an entry in ClinVar:

NM_001387430.1(SH2B1):c.2229G>C (p.Gly743=)

Gene: SH2B1 (SH2B adaptor protein 1; plus strand). Cytogenetic location: 16p11.2.
Variant type: single nucleotide variant.
Coding change: c.2229G>C on transcript NM_001387430.1 (MANE Select); coding-DNA position 2229, G replaced by C.
Protein change: p.Gly743=; no amino-acid change (glycine 743 retained).
Molecular consequence: synonymous variant. On other transcripts: 3 prime UTR variant (5).
Genome position (GRCh38, 1-based): chr16:28,873,778, G>C. VCF-style: chr16-28873778-G-C. GRCh37 (hg19) VCF-style: chr16-28885099-G-C.
Other names: c.2229G>C, p.Gly743= (NM_001145795.2, NM_001308293.2, NM_001387404.1); c.*313G>C (NM_001145796.2, NM_001145812.2, NM_001308294.2 and 1 more transcripts); c.*330G>C (NM_001145797.2).
Identifiers: ClinVar variation 3045677 (VCV003045677.2), dbSNP rs765279830, ClinGen allele CA7986450.

ClinVar aggregate classification (germline): Likely benign (0 of 4 stars; one submission).

Conditions:
SH2B1-related disorder. Also called: SH2B1-related condition.

Allele frequency attached by ClinVar (database versions not stated): TOPMed 0.00006; gnomAD 0.00009.
gnomAD v4.1: 212 of 1,467,686 alleles (0.014%); highest among the groups gnomAD compares: Non-Finnish European, 0.019%; no homozygotes.

Submission:

PreventionGenetics, part of Exact Sciences
Classification: Likely benign for SH2B1-related condition. Last evaluated: 2019-11-08. Review status: no assertion criteria provided. Collection method: clinical testing. Allele origin: germline.
Comment: This variant is classified as likely benign based on ACMG/AMP sequence variant interpretation guidelines (Richards et al. 2015 PMID: 25741868, with internal and published modifications).